The following is an entry in ClinVar:

ClinVar aggregate classification (germline): Pathogenic (1 of 4 stars; one submission).

Submission:

GeneDx
Classification: Pathogenic. Last evaluated: 2024-07-23. Review status: criteria provided, single submitter. Criteria: GeneDx Variant Classification Process June 2021. Collection method: clinical testing. Allele origin: germline. Affected: yes.
Comment: Canonical splice site variant predicted to result in a null allele in a gene for which loss of function is a known mechanism of disease; Identified in a patient belonging to an autosomal dominant polycystic kidney disease cohort and in a patient belonging to a chronic kidney disease cohort in published literature (PMID: 36938085, 17582161), but additional evidence is not available; Not observed at significant frequency in large population cohorts (gnomAD); This variant is associated with the following publications: (PMID: 25525159, 36938085, 17582161)

NM_001009944.3(PKD1):c.11017-1G>T

Genes: PKD1 (polycystin 1, transient receptor potential channel interacting; minus strand), PKD1-AS1 (PKD1 antisense RNA 1; plus strand). Cytogenetic location: 16p13.3.
Variant type: single nucleotide variant.
Coding change: c.11017-1G>T on transcript NM_001009944.3 (MANE Select); the canonical splice acceptor site of the intron before coding-DNA position 11017, G replaced by T.
Molecular consequence: splice acceptor variant.
Genome position (GRCh38, 1-based): chr16:2,093,094, C>A on the plus strand (G>T on the coding strand, the complement: PKD1 is on the minus strand). VCF-style: chr16-2093094-C-A. GRCh37 (hg19) VCF-style: chr16-2143095-C-A.
Other names: c.11014-1G>T (NM_000296.4).
Identifiers: ClinVar variation 3600916 (VCV003600916.1).
Genomic context (GRCh38, chr16:2,093,094, plus strand): 5'-GGCATCCCCATAGCTGGCCAGCAGGGTCACCAGCAGAAAAAGCATGTACACCAGGAGGCT[C>A]TGGTGGACGGGGGGGCCCTGTGGTCAGCCTGGCCCCAGCCCACAGTGACAGCAGGGCTTT-3'